The following is an entry in ClinVar:

NM_000404.4(GLB1):c.2002A>T (p.Lys668Ter)

Gene: GLB1 (galactosidase beta 1; minus strand). Cytogenetic location: 3p22.3.
Variant type: single nucleotide variant.
Coding change: c.2002A>T on transcript NM_000404.4 (MANE Select); coding-DNA position 2002, A replaced by T.
Protein change: p.Lys668Ter; replaces lysine 668 with a stop codon.
Molecular consequence: nonsense. On other transcripts: intron variant (1).
Genome position (GRCh38, 1-based): chr3:32,997,077, T>A on the plus strand (A>T on the coding strand, the complement: GLB1 is on the minus strand). VCF-style: chr3-32997077-T-A. GRCh37 (hg19) VCF-style: chr3-33038569-T-A.
Other names: p.Lys668*; c.1912A>T, p.Lys638Ter (NM_001079811.3); c.1609A>T, p.Lys537Ter (NM_001135602.3); c.2146A>T, p.Lys716Ter (NM_001317040.2); c.1734+16979A>T (NM_001393580.1); c.2002A>T (NM_000404.3); short protein forms K668*, K638*, K716*, K537*.
Identifiers: ClinVar variation 550693 (VCV000550693.9), dbSNP rs758168173, ClinGen allele CA2299258.
Genomic context (GRCh38, chr3:32,997,077, plus strand): 5'-AATCCCTCAAAGACACAGGCTTTCATCATCATACATGGTCCAGCCATGAATCTTTGTTTT[T>A]TTGCGGGGGTGGGGGCATGAGTCTTTTTTCAACAGGTTTGGAGGGATGATCGTAGGTCAC-3'

ClinVar aggregate classification (germline): Uncertain significance. Review status: criteria provided, multiple submitters, no conflicts (2 of 4 stars). 6 submissions from 6 submitters: Uncertain significance (5). 1 of the submissions does not count toward it. Last evaluated 2026-06-15.

Conditions:
GLB1-related disorder. Also called: GLB1-related disorders. Identifiers: MedGen CN377807.
Infantile GM1 gangliosidosis. Also called: GM1-gangliosidosis, type I; Gangliosidosis, generalized GM1, infantile form; GLB1 deficiency; GM1 gangliosidosis type 1; Gangliosidosis, Generalized GM1, Type 1. Identifiers: Orphanet 354, Orphanet 79255, MedGen C0268271, MONDO:0009260, OMIM 230500.
GM1 gangliosidosis type 2. Also called: Gangliosidosis, Generalized GM1, Type 2; GM1-GANGLIOSIDOSIS, TYPE II; GANGLIOSIDOSIS, GENERALIZED GM1, JUVENILE TYPE; GANGLIOSIDOSIS, GENERALIZED GM1, TYPE II; Juvenile GM>1< gangliosidosis. Identifiers: Orphanet 354, Orphanet 79256, MedGen C0268272, MONDO:0009261, OMIM 230600.
Mucopolysaccharidosis, MPS-IV-B (MPS4B). Also called: Mucopolysaccharidosis type 4B; Mucopolysaccharidosis type IVB (Morquio); MPS IVB; Mucopolysaccharidosis type IV B; Mucopolysaccharidosis Type IVB (Morquio B Disease); MORQUIO SYNDROME B. Identifiers: Orphanet 309310, Orphanet 582, MedGen C0086652, MONDO:0009660, OMIM 253010.
GM1 gangliosidosis type 3. Also called: Gangliosidosis, Generalized GM1, Type 3; GM1-GANGLIOSIDOSIS, TYPE III; GANGLIOSIDOSIS, GENERALIZED GM1, ADULT TYPE; GANGLIOSIDOSIS, GENERALIZED GM1, CHRONIC TYPE; GANGLIOSIDOSIS, GENERALIZED GM1, TYPE III; Beta-galactosidase deficiency. Identifiers: Orphanet 79257, MedGen C0268273, MONDO:0009262, OMIM 230650.
GM1 gangliosidosis. Identifiers: Orphanet 354, MedGen C0085131, MONDO:0018149.

Allele frequency attached by ClinVar (database versions not stated): gnomAD exomes 0.00002 and 0.00001; TOPMed 0.00002; ExAC 0.00001; gnomAD 0.00001.
gnomAD v4.1: 17 of 1,614,012 alleles (0.0011%); highest among the groups gnomAD compares: East Asian, 0.038%; no homozygotes.

Submissions (6):

PreventionGenetics, part of Exact Sciences
Classification: Uncertain significance for GLB1-related condition. Last evaluated: 2026-06-15. Review status: criteria provided, single submitter. Criteria: ACMG Guidelines, 2015. Collection method: clinical testing. Allele origin: germline.
Comment: The GLB1 c.2002A>T variant is predicted to result in premature protein termination (p.Lys668*). To our knowledge, this variant has not been reported in individuals with GLB1 related disease. This variant is reported in 0.031% of alleles in individuals of East Asian descent in gnomAD. Nonsense variants in GLB1 are expected to be pathogenic, however this variant occurs within the last exon, is predicted to shorten the protein product by 10 amino acids and is not predicted to result in nonsense mediated decay. At this time, the clinical significance of this variant is uncertain due to the absence of conclusive functional and genetic evidence.

Mayo Clinic Laboratories, Mayo Clinic
Classification: Uncertain significance. Last evaluated: 2025-01-27. Review status: criteria provided, single submitter. Criteria: ACMG Guidelines, 2015. Collection method: clinical testing. Allele origin: germline. Observed: 1 variant allele.
Comment: PM2_supporting, PVS1_moderate

Labcorp Genetics (formerly Invitae), Labcorp
Classification: Uncertain significance for Mucopolysaccharidosis, MPS-IV-B; GM1 gangliosidosis. Last evaluated: 2022-07-26. Review status: criteria provided, single submitter. Criteria: Invitae Variant Classification Sherloc (09022015). Collection method: clinical testing. Allele origin: germline.
Comment: This sequence change creates a premature translational stop signal (p.Lys668*) in the GLB1 gene. While this is not anticipated to result in nonsense mediated decay, it is expected to disrupt the last 10 amino acid(s) of the GLB1 protein. This variant is present in population databases (rs758168173, gnomAD 0.03%). This variant has not been reported in the literature in individuals affected with GLB1-related conditions. ClinVar contains an entry for this variant (Variation ID: 550693). This variant disrupts a region of the GLB1 protein in which other variant(s) (p.Val677Gly) have been observed in individuals with GLB1-related conditions (PMID: 33558080). This suggests that this is a clinically significant region of the protein, and that variants that disrupt it are likely to be disease-causing. In summary, the available evidence is currently insufficient to determine the role of this variant in disease. Therefore, it has been classified as a Variant of Uncertain Significance.

Fulgent Genetics
Classification: Uncertain significance for Infantile GM1 gangliosidosis; GM1 gangliosidosis type 2; GM1 gangliosidosis type 3; Mucopolysaccharidosis, MPS-IV-B. Last evaluated: 2022-04-28. Review status: criteria provided, single submitter. Criteria: ACMG Guidelines, 2015. Collection method: clinical testing. Allele origin: unknown.

GeneDx
Classification: Uncertain significance. Last evaluated: 2019-02-28. Review status: criteria provided, single submitter. Criteria: GeneDx Variant Classification Process June 2021. Collection method: clinical testing. Allele origin: germline. Affected: yes.
Comment: Nonsense variant predicted to result in protein truncation, although loss-of-function variants have not been reported downstream of this position in the protein; The K668X variant is observed in 6/18,868 (0.0318%) alleles from individuals of East Asian background in large population cohorts (Lek et al., 2016).; This variant is associated with the following publications: (PMID: 30833958)

Counsyl
Classification: Uncertain significance for Infantile GM1 gangliosidosis; GM1 gangliosidosis type 2; GM1 gangliosidosis type 3; Mucopolysaccharidosis, MPS-IV-B. Last evaluated: 2017-02-08. Review status: no assertion criteria provided. Collection method: clinical testing. Allele origin: unknown. Not counted in ClinVar's aggregate classification.

Literature cited by the submitters: PubMed 33558080 (cited by Labcorp Genetics (formerly Invitae), Labcorp).